The following is an entry in ClinVar:

ClinVar aggregate classification (germline): Pathogenic/Likely pathogenic. Review status: criteria provided, multiple submitters, no conflicts (2 of 4 stars). 2 submissions from 2 submitters: Pathogenic (1); Likely pathogenic (1). Last evaluated 2024-06-10.

Conditions:
X-linked Alport syndrome (ATS1). Also called: COL4A5-Related Nephropathy; NEPHROPATHY AND DEAFNESS, X-LINKED. Identifiers: Orphanet 63, Orphanet 88917, MedGen C4746986, MONDO:0010520, OMIM 301050.

Submissions (2):

Fulgent Genetics
Classification: Likely pathogenic for X-linked Alport syndrome. Last evaluated: 2024-06-10. Review status: criteria provided, single submitter. Criteria: ACMG Guidelines, 2015. Collection method: clinical testing. Allele origin: germline.

Labcorp Genetics (formerly Invitae), Labcorp
Classification: Pathogenic. Last evaluated: 2022-04-23. Review status: criteria provided, single submitter. Criteria: Invitae Variant Classification Sherloc (09022015). Collection method: clinical testing. Allele origin: germline.
Comment: For these reasons, this variant has been classified as Pathogenic. This variant has not been reported in the literature in individuals affected with COL4A5-related conditions. This variant is not present in population databases (gnomAD no frequency). This sequence change creates a premature translational stop signal (p.Gly705Glufs*31) in the COL4A5 gene. It is expected to result in an absent or disrupted protein product. Loss-of-function variants in COL4A5 are known to be pathogenic (PMID: 9195222, 10752524, 14514738, 24854265, 26809805).

Literature cited by the submitters: PubMed 9195222 (cited by Labcorp Genetics (formerly Invitae), Labcorp); PubMed 10752524 (cited by Labcorp Genetics (formerly Invitae), Labcorp); PubMed 14514738 (cited by Labcorp Genetics (formerly Invitae), Labcorp); PubMed 24854265 (cited by Labcorp Genetics (formerly Invitae), Labcorp); PubMed 26809805 (cited by Labcorp Genetics (formerly Invitae), Labcorp).

NM_033380.3(COL4A5):c.2114del (p.Gly705fs)

Gene: COL4A5 (collagen type IV alpha 5 chain; plus strand). Cytogenetic location: Xq22.3.
Variant type: Deletion.
Coding change: c.2114del on transcript NM_033380.3 (MANE Select); coding-DNA position 2114, one base deleted (G; older notation c.2114delG).
Protein change: p.Gly705fs; shifts the reading frame from glycine 705.
Molecular consequence: frameshift variant.
Genome position (GRCh38, 1-based): chrX:108,601,957, G deleted; the last of 2 consecutive G bases (chrX:108,601,956-108,601,957); deleting either gives the same sequence. VCF-style (leftmost placement, unchanged base first): chrX-108601955-TG-T. GRCh37 (hg19) VCF-style: chrX-107845185-TG-T.
Other names: c.2114del, p.Gly705fs (NM_000495.5); short protein forms G705fs.
Identifiers: ClinVar variation 2100202 (VCV002100202.5), dbSNP rs2524328853, ClinGen allele CA2580100319.